The following is an entry in ClinVar:

ClinVar aggregate classification (germline): Uncertain significance (1 of 4 stars; one submission).

Conditions:
Familial cancer of breast. Also called: BREAST CANCER, FAMILIAL; Hereditary breast cancer; hereditary breast carcinoma. Identifiers: Orphanet 227535, MedGen C0346153, MONDO:0016419, OMIM 114480. Disease mechanism: loss of function.

Submission:

Labcorp Genetics (formerly Invitae), Labcorp
Classification: Uncertain significance for Familial cancer of breast. Last evaluated: 2023-06-14. Review status: criteria provided, single submitter. Criteria: Invitae Variant Classification Sherloc (09022015). Collection method: clinical testing. Allele origin: germline.
Comment: An algorithm developed to predict the effect of missense changes on protein structure and function (PolyPhen-2) suggests that this variant is likely to be disruptive. ClinVar contains an entry for this variant (Variation ID: 1490692). This variant is not present in population databases (gnomAD no frequency). This sequence change replaces methionine, which is neutral and non-polar, with lysine, which is basic and polar, at codon 331 of the CHEK2 protein (p.Met331Lys). This variant has not been reported in the literature in individuals affected with CHEK2-related conditions. In summary, the available evidence is currently insufficient to determine the role of this variant in disease. Therefore, it has been classified as a Variant of Uncertain Significance.

NM_007194.4(CHEK2):c.992T>A (p.Met331Lys)

Gene: CHEK2 (checkpoint kinase 2; minus strand). Cytogenetic location: 22q12.1.
Variant type: single nucleotide variant.
Coding change: c.992T>A on transcript NM_007194.4 (MANE Select); coding-DNA position 992, T replaced by A.
Protein change: p.Met331Lys; replaces methionine 331 with lysine.
Molecular consequence: missense variant.
Genome position (GRCh38, 1-based): chr22:28,699,854, A>T on the plus strand (T>A on the coding strand, the complement: CHEK2 is on the minus strand). VCF-style: chr22-28699854-A-T. GRCh37 (hg19) VCF-style: chr22-29095842-A-T.
Other names: c.1121T>A, p.Met374Lys (NM_001005735.3); c.329T>A, p.Met110Lys (NM_001257387.3); c.791T>A, p.Met264Lys (NM_001349956.3); c.992T>A, p.Met331Lys (NM_145862.3); short protein forms M331K, M374K, M110K, M264K.
Identifiers: ClinVar variation 1490692 (VCV001490692.7), dbSNP rs1555915352, ClinGen allele CA411099447.